The following is an entry in ClinVar:

NM_177559.3(CSNK2A1):c.581C>T (p.Ser194Phe)

Gene: CSNK2A1 (casein kinase 2 alpha 1; minus strand). Cytogenetic location: 20p13.
Variant type: single nucleotide variant.
Coding change: c.581C>T on transcript NM_177559.3 (MANE Select); coding-DNA position 581, C replaced by T.
Protein change: p.Ser194Phe; replaces serine 194 with phenylalanine.
Molecular consequence: missense variant.
Genome position (GRCh38, 1-based): chr20:492,294, G>A on the plus strand (C>T on the coding strand, the complement: CSNK2A1 is on the minus strand). VCF-style: chr20-492294-G-A. GRCh37 (hg19) VCF-style: chr20-472938-G-A.
Other names: c.581C>T, p.Ser194Phe (NM_001362770.2, NM_001362771.2, NM_001895.4); c.173C>T, p.Ser58Phe (NM_177560.3); short protein forms S194F, S58F.
Identifiers: ClinVar variation 4082413 (VCV004082413.2).

ClinVar aggregate classification (germline): Pathogenic (1 of 4 stars; one submission).

Submission:

Genetic Services Laboratory, University of Chicago
Classification: Pathogenic. Last evaluated: 2024-02-07. Review status: criteria provided, single submitter. Criteria: ACMG Guidelines, 2015. Collection method: clinical testing. Allele origin: germline. Affected: yes.
Comment: DNA sequence analysis of the CSNK2A1 gene demonstrated a sequence change, c.581C>T, in exon 8 that results in an amino acid change, p.Ser194Phe, in the de-novo state. The p.Ser194Phe change affects a highly conserved amino acid residue located in a domain of the CSNK2A1 protein that is known to be functional. The p.Ser194Phe substitution appears to be deleterious using several in-silico pathogenicity prediction tools (SIFT, PolyPhen2, Align GVGD, REVEL). This sequence change has previously not been described in individuals with CSNK2A1-related disorders; however, a different sequence change affecting the same amino acid (c.581C>A, p.Ser194Tyr) has been reported in an individual with intellectual disability, microcephaly and truncal obesity in a de novo state (PMID: 34356170). Experimental study of a different variant affecting the same amino acid (p.Ser194Ala) showed reduced PKC-mediated CK2a phosphorylation and a decrease of CK2 activity compared to that of wild type (PMID: 26703243). The c.581C>T sequence change has not been described in population databases such as ExAC and gnomAD. These collective evidences indicate that this sequence change is pathogenic.